The following is an entry in ClinVar:

ClinVar aggregate classification (germline): Uncertain significance. Review status: criteria provided, multiple submitters, no conflicts (2 of 4 stars). 3 submissions from 3 submitters: Uncertain significance (3). Last evaluated 2026-09-16.

Conditions:
Cardiovascular phenotype. Identifiers: MedGen CN230736.

Allele frequency attached by ClinVar (database versions not stated): gnomAD 0.00001; TOPMed 0.00001; gnomAD exomes 0.00002.
gnomAD v4.1: 34 of 1,549,880 alleles (0.0022%); highest among the groups gnomAD compares: Non-Finnish European, 0.0026%; no homozygotes.

Submissions (3):

GeneDx
Classification: Uncertain significance. Last evaluated: 2026-09-16. Review status: criteria provided, single submitter. Criteria: GeneDx Variant Classification Process June 2021. Collection method: clinical testing. Allele origin: germline.
Comment: In silico analysis suggests that this missense variant does not alter protein structure/function; Has not been previously published as pathogenic or benign to our knowledge

CeGaT Center for Human Genetics Tuebingen
Classification: Uncertain significance. Last evaluated: 2025-09-01. Review status: criteria provided, single submitter. Criteria: CeGaT Center For Human Genetics Tuebingen Variant Classification Criteria Version 2. Collection method: clinical testing. Allele origin: germline. Affected: yes. Observed: 1 variant allele.
Comment: TNXB: PM2

Ambry Genetics
Classification: Uncertain significance for Cardiovascular phenotype. Last evaluated: 2025-08-05. Review status: criteria provided, single submitter. Criteria: Ambry Variant Classification Scheme 2023. Collection method: clinical testing. Allele origin: germline.

NM_001365276.2(TNXB):c.2297G>A (p.Arg766Gln)

Gene: TNXB (tenascin XB; minus strand). Cytogenetic location: 6p21.33.
Variant type: single nucleotide variant.
Coding change: c.2297G>A on transcript NM_001365276.2 (MANE Select); coding-DNA position 2297, G replaced by A.
Protein change: p.Arg766Gln; replaces arginine 766 with glutamine.
Molecular consequence: missense variant.
Genome position (GRCh38, 1-based): chr6:32,095,137, C>T on the plus strand (G>A on the coding strand, the complement: TNXB is on the minus strand). VCF-style: chr6-32095137-C-T. GRCh37 (hg19) VCF-style: chr6-32062914-C-T.
Other names: c.2297G>A, p.Arg766Gln (NM_019105.8); short protein forms R766Q.
Identifiers: ClinVar variation 1789189 (VCV001789189.12), dbSNP rs920263701, ClinGen allele CA136905143.